The following is an entry in ClinVar:

ClinVar aggregate classification (germline): Uncertain significance. Review status: criteria provided, multiple submitters, no conflicts (2 of 4 stars). 3 submissions from 3 submitters: Uncertain significance (2). 1 of the submissions does not count toward it. Last evaluated 2025-08-22.

Conditions:
MHC class II deficiency. Also called: Bare lymphocyte syndrome 2; BLS, TYPE II. Identifiers: Orphanet 572, MedGen C5447452, MONDO:0008855.
Inborn genetic diseases. Identifiers: MedGen C0950123, MeSH D030342.

Allele frequency attached by ClinVar (database versions not stated): TOPMed 0.00001; gnomAD exomes below 0.00001.
gnomAD v4.1: 7 of 1,603,126 alleles (0.00044%); highest among the groups gnomAD compares: Admixed American, 0.0017%; no homozygotes.

Submissions (3):

Ambry Genetics
Classification: Uncertain significance for Inborn genetic diseases. Last evaluated: 2025-08-22. Review status: criteria provided, single submitter. Criteria: Ambry Variant Classification Scheme 2023. Collection method: clinical testing. Allele origin: germline.

Labcorp Genetics (formerly Invitae), Labcorp
Classification: Uncertain significance for MHC class II deficiency. Last evaluated: 2021-08-30. Review status: criteria provided, single submitter. Criteria: Invitae Variant Classification Sherloc (09022015). Collection method: clinical testing. Allele origin: germline.
Comment: This sequence change replaces threonine with arginine at codon 841 of the CIITA protein (p.Thr841Arg). The threonine residue is highly conserved and there is a moderate physicochemical difference between threonine and arginine. This variant is not present in population databases (ExAC no frequency). This variant has not been reported in the literature in individuals affected with CIITA-related conditions. Algorithms developed to predict the effect of missense changes on protein structure and function are either unavailable or do not agree on the potential impact of this missense change (SIFT: "Deleterious"; PolyPhen-2: "Benign"; Align-GVGD: "Class C0"). Algorithms developed to predict the effect of sequence changes on RNA splicing suggest that this variant may create or strengthen a splice site. In summary, the available evidence is currently insufficient to determine the role of this variant in disease. Therefore, it has been classified as a Variant of Uncertain Significance.

Natera, Inc.
Classification: Uncertain significance for Bare lymphocyte syndrome type II. Last evaluated: 2020-09-22. Review status: no assertion criteria provided. Collection method: clinical testing. Allele origin: germline. Not counted in ClinVar's aggregate classification.

NM_000246.4(CIITA):c.2522C>G (p.Thr841Arg)

Gene: CIITA (class II major histocompatibility complex transactivator; plus strand). Cytogenetic location: 16p13.13.
Variant type: single nucleotide variant.
Coding change: c.2522C>G on transcript NM_000246.4 (MANE Select); coding-DNA position 2522, C replaced by G.
Protein change: p.Thr841Arg; replaces threonine 841 with arginine.
Molecular consequence: missense variant. On other transcripts: intron variant (1).
Genome position (GRCh38, 1-based): chr16:10,908,014, C>G. VCF-style: chr16-10908014-C-G. GRCh37 (hg19) VCF-style: chr16-11001871-C-G.
Other names: c.2525C>G, p.Thr842Arg (NM_001286402.1, NM_001379332.1); c.2378C>G, p.Thr793Arg (NM_001379330.1); c.2375C>G, p.Thr792Arg (NM_001379331.1); c.2522C>G, p.Thr841Arg (NM_001379333.1); c.2453C>G, p.Thr818Arg (NM_001379334.1); c.860-969C>G (NM_001286403.2); short protein forms T792R, T793R, T842R, T818R, T841R.
Identifiers: ClinVar variation 948862 (VCV000948862.8), dbSNP rs1159888268, ClinGen allele CA394733796.